The following is an entry in ClinVar:

NM_015656.2(KIF26A):c.4079C>T (p.Ala1360Val)

Gene: KIF26A (kinesin family member 26A; plus strand). Cytogenetic location: 14q32.33.
Variant type: single nucleotide variant.
Coding change: c.4079C>T on transcript NM_015656.2 (MANE Select); coding-DNA position 4079, C replaced by T.
Protein change: p.Ala1360Val; replaces alanine 1360 with valine.
Molecular consequence: missense variant.
Genome position (GRCh38, 1-based): chr14:104,176,867, C>T. VCF-style: chr14-104176867-C-T. GRCh37 (hg19) VCF-style: chr14-104643204-C-T.
Other names: short protein forms A1360V.
Identifiers: ClinVar variation 3114758 (VCV003114758.2), dbSNP rs113754530, ClinGen allele CA7371177.

ClinVar aggregate classification (germline): Uncertain significance. Review status: criteria provided, multiple submitters, no conflicts (2 of 4 stars). 2 submissions from 2 submitters: Uncertain significance (2). Last evaluated 2023-10-02.

gnomAD v4.1: 256 of 1,526,290 alleles (0.017%); highest among the groups gnomAD compares: Middle Eastern, 0.039%; no homozygotes.

Submissions (2):

GeneDx
Classification: Uncertain significance. Last evaluated: 2023-10-02. Review status: criteria provided, single submitter. Criteria: GeneDx Variant Classification Process June 2021. Collection method: clinical testing. Allele origin: germline. Affected: yes.
Comment: In silico analysis supports that this missense variant does not alter protein structure/function; Has not been previously published as pathogenic or benign to our knowledge

Ambry Genetics
Classification: Uncertain significance. Last evaluated: 2022-05-27. Review status: criteria provided, single submitter. Criteria: Ambry Variant Classification Scheme 2023. Collection method: clinical testing. Allele origin: germline.